The following is an entry in ClinVar:

NM_001042492.3(NF1):c.397G>A (p.Glu133Lys)

Gene: NF1 (neurofibromin 1; plus strand). Cytogenetic location: 17q11.2.
Variant type: single nucleotide variant.
Coding change: c.397G>A on transcript NM_001042492.3 (MANE Select); coding-DNA position 397, G replaced by A.
Protein change: p.Glu133Lys; replaces glutamic acid 133 with lysine.
Molecular consequence: missense variant.
Genome position (GRCh38, 1-based): chr17:31,163,294, G>A. VCF-style: chr17-31163294-G-A. GRCh37 (hg19) VCF-style: chr17-29490312-G-A.
Other names: c.397G>A, p.Glu133Lys (NM_000267.4, NM_001128147.3); short protein forms E133K.
Identifiers: ClinVar variation 961804 (VCV000961804.6), dbSNP rs2065794225, ClinGen allele CA398981863.

ClinVar aggregate classification (germline): Uncertain significance (1 of 4 stars; one submission).

Conditions:
Neurofibromatosis, type 1 (NF1). Also called: Peripheral type neurofibromatosis; VON RECKLINGHAUSEN DISEASE; NEUROFIBROMATOSIS, TYPE I, SOMATIC; Neurofibromatosis, type I. Identifiers: Orphanet 636, MedGen C0027831, MONDO:0018975, OMIM 162200. Disease mechanism: loss of function.

Submission:

Labcorp Genetics (formerly Invitae), Labcorp
Classification: Uncertain significance for Neurofibromatosis, type 1. Last evaluated: 2019-09-11. Review status: criteria provided, single submitter. Criteria: Invitae Variant Classification Sherloc (09022015). Collection method: clinical testing. Allele origin: germline.
Comment: This sequence change replaces glutamic acid with lysine at codon 133 of the NF1 protein (p.Glu133Lys). The glutamic acid residue is moderately conserved and there is a small physicochemical difference between glutamic acid and lysine. This variant is not present in population databases (ExAC no frequency). This variant has not been reported in the literature in individuals with NF1-related conditions. Algorithms developed to predict the effect of missense changes on protein structure and function (SIFT, PolyPhen-2, Align-GVGD) all suggest that this variant is likely to be tolerated, but these predictions have not been confirmed by published functional studies and their clinical significance is uncertain. In summary, the available evidence is currently insufficient to determine the role of this variant in disease. Therefore, it has been classified as a Variant of Uncertain Significance.